The following is an entry in ClinVar:

NM_006914.4(RORB):c.55G>A (p.Gly19Arg)

Gene: RORB (RAR related orphan receptor B; plus strand). Cytogenetic location: 9q21.13.
Variant type: single nucleotide variant.
Coding change: c.55G>A on transcript NM_006914.4 (MANE Select); coding-DNA position 55, G replaced by A.
Protein change: p.Gly19Arg; replaces glycine 19 with arginine.
Molecular consequence: missense variant.
Genome position (GRCh38, 1-based): chr9:74,630,329, G>A. VCF-style: chr9-74630329-G-A. GRCh37 (hg19) VCF-style: chr9-77245245-G-A.
Other names: c.88G>A, p.Gly30Arg (NM_001365023.1); short protein forms G30R, G19R.
Identifiers: ClinVar variation 1519722 (VCV001519722.8), dbSNP rs2118414370, ClinGen allele CA373771970.
Genomic context (GRCh38, chr9:74,630,329, plus strand): 5'-TTTCTCCTTTCAGCACAAATTGAAGTGATACCATGCAAAATTTGTGGCGATAAGTCCTCT[G>A]GGATCCACTACGGAGTCATCACATGTGAAGGCTGCAAGGTATGGGACTTTCATACAGCAC-3'
Protein context (NP_008845.2, residues 9-29): PCKICGDKSS[Gly19Arg]IHYGVITCEG

ClinVar aggregate classification (germline): Uncertain significance (1 of 4 stars; one submission).

Submission:

Labcorp Genetics (formerly Invitae), Labcorp
Classification: Uncertain significance. Last evaluated: 2022-01-14. Review status: criteria provided, single submitter. Criteria: Invitae Variant Classification Sherloc (09022015). Collection method: clinical testing. Allele origin: germline.
Comment: In summary, the available evidence is currently insufficient to determine the role of this variant in disease. Therefore, it has been classified as a Variant of Uncertain Significance. Algorithms developed to predict the effect of sequence changes on RNA splicing suggest that this variant may create or strengthen a splice site. Algorithms developed to predict the effect of missense changes on protein structure and function (SIFT, PolyPhen-2, Align-GVGD) all suggest that this variant is likely to be disruptive. This variant has not been reported in the literature in individuals affected with RORB-related conditions. This variant is not present in population databases (gnomAD no frequency). This sequence change replaces glycine, which is neutral and non-polar, with arginine, which is basic and polar, at codon 19 of the RORB protein (p.Gly19Arg).